The following is an entry in ClinVar:

NM_000283.4(PDE6B):c.2130-21G>A

Gene: PDE6B (phosphodiesterase 6B; plus strand). Cytogenetic location: 4p16.3.
Variant type: single nucleotide variant.
Coding change: c.2130-21G>A on transcript NM_000283.4 (MANE Select); 21 bases into the intron before coding-DNA position 2130, G replaced by A.
Molecular consequence: intron variant.
Genome position (GRCh38, 1-based): chr4:664,860, G>A. VCF-style: chr4-664860-G-A. GRCh37 (hg19) VCF-style: chr4-658649-G-A.
Other names: c.2130-21G>A (NM_001145291.2, NM_001440547.1, NM_001440548.1); c.1293-21G>A (NM_001379246.1, NM_001379247.1, NM_001145292.2 and 1 more transcripts); c.975-21G>A (NM_001350155.3).
Identifiers: ClinVar variation 4977464 (VCV004977464.1).

ClinVar aggregate classification (germline): Likely benign (1 of 4 stars; one submission).

Conditions:
PDE6B-related disorder. Also called: PDE6B-related disease; PDE6B-related condition; PDE6B-related disorders.

gnomAD v4.1: 154 of 1,608,224 alleles (0.0096%); highest among the groups gnomAD compares: South Asian, 0.16%; 1 homozygote.

Submission:

PreventionGenetics, part of Exact Sciences
Classification: Likely benign for PDE6B-related condition. Last evaluated: 2025-03-04. Review status: criteria provided, single submitter. Criteria: ACMG Guidelines, 2015. Collection method: clinical testing. Allele origin: germline.
Comment: This variant is classified as likely benign based on ACMG/AMP sequence variant interpretation guidelines (Richards et al. 2015 PMID: 25741868, with internal and published modifications).